The following is an entry in ClinVar:

NM_001903.5(CTNNA1):c.468+7dup

Gene: CTNNA1 (catenin alpha 1; plus strand). Cytogenetic location: 5q31.2.
Variant type: Duplication.
Coding change: c.468+7dup on transcript NM_001903.5 (MANE Select); 7 bases into the intron after coding-DNA position 468, one base duplicated (A; older notation c.468+7dupA).
Molecular consequence: intron variant.
Genome position (GRCh38, 1-based): chr5:138,810,211, A duplicated. VCF-style (leftmost placement, unchanged base first): chr5-138810210-T-TA. GRCh37 (hg19) VCF-style: chr5-138145899-T-TA.
Other names: c.468+7dup (NM_001323982.2, NM_001323984.2, NM_001290307.3 and 3 more transcripts); c.99+7dup (NM_001290310.3); c.159+7dup (NM_001290309.3).
Identifiers: ClinVar variation 794764 (VCV000794764.9), dbSNP rs1581105995, ClinGen allele CA915942592.
Genomic context (GRCh38, chr5:138,810,210, plus strand): 5'-GCTGATTTTGGCTGACATGGCAGATGTCTACAAATTACTTGTTCAGCTGAAAGTTGTAAG[T>TA]ATACAGGCCTATGTCTGTAATTTGTTCTATCACAGGAAGATTGCTACTGGCCTTCCTTAG-3'

ClinVar aggregate classification (germline): Likely benign. Review status: criteria provided, multiple submitters, no conflicts (2 of 4 stars). 2 submissions from 2 submitters: Likely benign (2). Last evaluated 2024-10-09.

Conditions:
Hereditary diffuse gastric adenocarcinoma (HDGC). Also called: DIFFUSE GASTRIC AND LOBULAR BREAST CANCER SYNDROME. Identifiers: Orphanet 26106, MedGen C1708349, MONDO:0007648, OMIM 137215.

Allele frequency attached by ClinVar (database versions not stated): gnomAD exomes below 0.00001.

Submissions (2):

Myriad Genetics, Inc.
Classification: Likely benign for Hereditary diffuse gastric adenocarcinoma. Last evaluated: 2024-10-09. Review status: criteria provided, single submitter. Criteria: Myriad Autosomal Dominant, Autosomal Recessive and X-Linked Classification Criteria (2023). Collection method: clinical testing. Allele origin: unknown.
Comment: This variant is considered likely benign. This variant is intronic and is not expected to impact mRNA splicing.

Labcorp Genetics (formerly Invitae), Labcorp
Classification: Likely benign. Last evaluated: 2018-11-07. Review status: criteria provided, single submitter. Criteria: Invitae Variant Classification Sherloc (09022015). Collection method: clinical testing. Allele origin: germline.